The following is an entry in ClinVar:

ClinVar aggregate classification (germline): Uncertain significance (1 of 4 stars; one submission).

Allele frequency attached by ClinVar (database versions not stated): gnomAD exomes below 0.00001 and 0.00001; ExAC 0.00002; gnomAD 0.00002; TOPMed 0.00002; ESP Exome Variant Server 0.00008.
gnomAD v4.1: 8 of 1,613,996 alleles (0.0005%); highest among the groups gnomAD compares: Non-Finnish European, 0.00051%; no homozygotes.

Submission:

Labcorp Genetics (formerly Invitae), Labcorp
Classification: Uncertain significance. Last evaluated: 2023-10-06. Review status: criteria provided, single submitter. Criteria: Invitae Variant Classification Sherloc (09022015). Collection method: clinical testing. Allele origin: germline.
Comment: This sequence change replaces alanine, which is neutral and non-polar, with valine, which is neutral and non-polar, at codon 468 of the ERCC3 protein (p.Ala468Val). This variant is present in population databases (rs144012336, gnomAD 0.003%). This variant has not been reported in the literature in individuals affected with ERCC3-related conditions. ClinVar contains an entry for this variant (Variation ID: 1410445). Advanced modeling of protein sequence and biophysical properties (such as structural, functional, and spatial information, amino acid conservation, physicochemical variation, residue mobility, and thermodynamic stability) performed at Invitae indicates that this missense variant is expected to disrupt ERCC3 protein function. In summary, the available evidence is currently insufficient to determine the role of this variant in disease. Therefore, it has been classified as a Variant of Uncertain Significance.

NM_000122.2(ERCC3):c.1403C>T (p.Ala468Val)

Gene: ERCC3 (ERCC excision repair 3, TFIIH core complex helicase subunit; minus strand). Cytogenetic location: 2q14.3.
Variant type: single nucleotide variant.
Coding change: c.1403C>T on transcript NM_000122.2 (MANE Select); coding-DNA position 1403, C replaced by T.
Protein change: p.Ala468Val; replaces alanine 468 with valine.
Molecular consequence: missense variant.
Genome position (GRCh38, 1-based): chr2:127,280,571, G>A on the plus strand (C>T on the coding strand, the complement: ERCC3 is on the minus strand). VCF-style: chr2-127280571-G-A. GRCh37 (hg19) VCF-style: chr2-128038147-G-A.
Other names: c.1211C>T, p.Ala404Val (NM_001303416.2, NM_001303418.2); short protein forms A404V, A468V.
Identifiers: ClinVar variation 1410445 (VCV001410445.6), dbSNP rs144012336, ClinGen allele CA1858274.